The following is an entry in ClinVar:

NM_002458.3(MUC5B):c.11254C>T (p.His3752Tyr)

Genes: MUC5B (mucin 5B, oligomeric mucus/gel-forming; plus strand), MUC5B-AS1 (MUC5B antisense RNA 1; minus strand). Cytogenetic location: 11p15.5.
Variant type: single nucleotide variant.
Coding change: c.11254C>T on transcript NM_002458.3 (MANE Select); coding-DNA position 11254, C replaced by T.
Protein change: p.His3752Tyr; replaces histidine 3752 with tyrosine.
Molecular consequence: missense variant.
Genome position (GRCh38, 1-based): chr11:1,248,134, C>T. VCF-style: chr11-1248134-C-T. GRCh37 (hg19) VCF-style: chr11-1269364-C-T.
Other names: short protein forms H3752Y.
Identifiers: ClinVar variation 4821486 (VCV004821486.4).

ClinVar aggregate classification (germline): Likely benign (1 of 4 stars; one submission).

Submission:

CeGaT Center for Human Genetics Tuebingen
Classification: Likely benign. Last evaluated: 2026-02-01. Review status: criteria provided, single submitter. Criteria: CeGaT Center For Human Genetics Tuebingen Variant Classification Criteria Version 2. Collection method: clinical testing. Allele origin: germline. Affected: yes. Observed: 1 variant allele.
Comment: MUC5B: BP4